The following is an entry in ClinVar:

ClinVar aggregate classification (germline): Uncertain significance (1 of 4 stars; one submission).

Conditions:
Autosomal recessive severe congenital neutropenia due to CSF3R deficiency. Also called: Neutropenia, severe congenital, 7, autosomal recessive. Identifiers: Orphanet 420702, MedGen C4310764, MONDO:0014865, OMIM 617014.

Submission:

Labcorp Genetics (formerly Invitae), Labcorp
Classification: Uncertain significance for Autosomal recessive severe congenital neutropenia due to CSF3R deficiency. Last evaluated: 2022-04-22. Review status: criteria provided, single submitter. Criteria: Invitae Variant Classification Sherloc (09022015). Collection method: clinical testing. Allele origin: germline.
Comment: This sequence change replaces lysine, which is basic and polar, with glutamine, which is neutral and polar, at codon 162 of the CSF3R protein (p.Lys162Gln). This variant is not present in population databases (gnomAD no frequency). This variant has not been reported in the literature in individuals affected with CSF3R-related conditions. Algorithms developed to predict the effect of missense changes on protein structure and function (SIFT, PolyPhen-2, Align-GVGD) all suggest that this variant is likely to be tolerated. Algorithms developed to predict the effect of sequence changes on RNA splicing suggest that this variant may disrupt the consensus splice site. In summary, the available evidence is currently insufficient to determine the role of this variant in disease. Therefore, it has been classified as a Variant of Uncertain Significance.

NM_000760.4(CSF3R):c.484A>C (p.Lys162Gln)

Gene: CSF3R (colony stimulating factor 3 receptor; minus strand). Cytogenetic location: 1p34.3.
Variant type: single nucleotide variant.
Coding change: c.484A>C on transcript NM_000760.4 (MANE Select); coding-DNA position 484, A replaced by C.
Protein change: p.Lys162Gln; replaces lysine 162 with glutamine.
Molecular consequence: missense variant.
Genome position (GRCh38, 1-based): chr1:36,473,765, T>G on the plus strand (A>C on the coding strand, the complement: CSF3R is on the minus strand). VCF-style: chr1-36473765-T-G. GRCh37 (hg19) VCF-style: chr1-36939366-T-G.
Other names: c.484A>C, p.Lys162Gln (NM_156039.3, NM_172313.3); short protein forms K162Q.
Identifiers: ClinVar variation 2129224 (VCV002129224.4), dbSNP rs2521808912, ClinGen allele CA339423935.